The following is an entry in ClinVar:

ClinVar aggregate classification (germline): Uncertain significance (1 of 4 stars; one submission).

Conditions:
Atrioventricular septal defect, susceptibility to, 2. Identifiers: MedGen C1853508, MONDO:0011650, OMIM 606217.

Allele frequency attached by ClinVar (database versions not stated): gnomAD exomes 0.00002; TOPMed 0.00002; gnomAD 0.00003 and 0.00004; ExAC 0.00004.

Submission:

Labcorp Genetics (formerly Invitae), Labcorp
Classification: Uncertain significance for Atrioventricular septal defect, susceptibility to, 2. Last evaluated: 2017-05-30. Review status: criteria provided, single submitter. Criteria: Invitae Variant Classification Sherloc (09022015). Collection method: clinical testing. Allele origin: germline.
Comment: This sequence change replaces arginine with histidine at codon 89 of the CRELD1 protein (p.Arg89His). The arginine residue is highly conserved and there is a small physicochemical difference between arginine and histidine. This variant is present in population databases (rs760693953, ExAC 0.01%). This variant has not been reported in the literature in individuals with a CRELD1-related disease. Algorithms developed to predict the effect of missense changes on protein structure and function do not agree on the potential impact of this missense change (SIFT: "Deleterious"; PolyPhen-2: "Probably Damaging"; Align-GVGD: "Class C0"). In summary, this variant has uncertain impact on CRELD1 function. The available evidence is currently insufficient to determine its role in disease. Therefore, it has been classified as a Variant of Uncertain Significance.

NM_001077415.3(CRELD1):c.266G>A (p.Arg89His)

Gene: CRELD1 (CRELD disulfide isomerase 1; plus strand). Cytogenetic location: 3p25.3.
Variant type: single nucleotide variant.
Coding change: c.266G>A on transcript NM_001077415.3 (MANE Select); coding-DNA position 266, G replaced by A.
Protein change: p.Arg89His; replaces arginine 89 with histidine.
Molecular consequence: missense variant. On other transcripts: non-coding transcript variant (3).
Genome position (GRCh38, 1-based): chr3:9,937,570, G>A. VCF-style: chr3-9937570-G-A. GRCh37 (hg19) VCF-style: chr3-9979254-G-A.
Other names: c.266G>A, p.Arg89His (NM_001031717.4, NM_001374316.1, NM_001374317.1 and 4 more transcripts); short protein forms R89H.
Identifiers: ClinVar variation 465834 (VCV000465834.5), dbSNP rs760693953, ClinGen allele CA2247635.